The following is an entry in ClinVar:

NM_004699.4(FAM50A):c.393C>T (p.Gly131=)

Gene: FAM50A (family with sequence similarity 50 member A; plus strand). Cytogenetic location: Xq28.
Variant type: single nucleotide variant.
Coding change: c.393C>T on transcript NM_004699.4 (MANE Select); coding-DNA position 393, C replaced by T.
Protein change: p.Gly131=; no amino-acid change (glycine 131 retained).
Molecular consequence: synonymous variant.
Genome position (GRCh38, 1-based): chrX:154,446,511, C>T. VCF-style: chrX-154446511-C-T. GRCh37 (hg19) VCF-style: chrX-153674859-C-T.
Other names: c.393C>T (NM_004699.3).
Identifiers: ClinVar variation 2444228 (VCV002444228.2), dbSNP rs1474013036, ClinGen allele CA519290241.

ClinVar aggregate classification (germline): Uncertain significance. Review status: criteria provided, multiple submitters, no conflicts (2 of 4 stars). 2 submissions from 2 submitters: Uncertain significance (2). Last evaluated 2023-08-03.

Conditions:
FAM50A-related disorder. Also called: FAM50A-related condition.
Armfield syndrome (MRXSA). Identifiers: Orphanet 85276, MedGen C1846057, MONDO:0010284, OMIM 300261.

Allele frequency attached by ClinVar (database versions not stated): gnomAD exomes below 0.00001; gnomAD 0.00001; TOPMed 0.00001.
gnomAD v4.1: 2 of 1,194,429 alleles (0.00017%); highest among the groups gnomAD compares: Admixed American, 0.0022%; no homozygotes.

Submissions (2):

PreventionGenetics, part of Exact Sciences
Classification: Uncertain significance for FAM50A-related condition. Last evaluated: 2023-08-03. Review status: criteria provided, single submitter. Criteria: ACMG Guidelines, 2015. Collection method: clinical testing. Allele origin: germline.
Comment: The FAM50A c.393C>T variant is not predicted to result in an amino acid change (p.=). This variant is predicted to create a cryptic splice donor site (Alamut Visual Plus v1.6.1). To our knowledge, this variant has not been reported in the literature. This variant is reported in 0.16% of alleles in individuals of Latino descent in gnomAD. At this time, the clinical significance of this variant is uncertain due to the absence of conclusive functional and genetic evidence.

3billion
Classification: Uncertain significance for Armfield syndrome. Last evaluated: 2023-02-23. Review status: criteria provided, single submitter. Criteria: ACMG Guidelines, 2015. Collection method: clinical testing. Allele origin: unknown. Affected: yes.
Comment: The variant is observed at an extremely low frequency in the gnomAD v2.1.1 dataset (total allele frequency: 0.005%). In silico tools predict the variant to alter splicing and produce an abnormal transcript (SpliceAI: 0.83). Therefore, this variant is classified as VUS according to the recommendation of ACMG/AMP guideline.